The following is an entry in ClinVar:

NM_004006.3(DMD):c.3939_3940delinsCT (p.Met1313_Arg1314delinsIleTer)

Gene: DMD (dystrophin; minus strand). Cytogenetic location: Xp21.1.
Variant type: Indel.
Coding change: c.3939_3940delinsCT on transcript NM_004006.3 (MANE Select); coding-DNA positions 3939 to 3940, GC replaced by CT.
Protein change: p.Met1313_Arg1314delinsIleTer.
Molecular consequence: nonsense.
Genome position (GRCh38, 1-based): chrX:32,438,372-32,438,373, GC replaced by AG on the plus strand (GC replaced by CT on the coding strand, the reverse complement: DMD is on the minus strand). VCF-style: chrX-32438372-GC-AG. GRCh37 (hg19) VCF-style: chrX-32456489-GC-AG.
Other names: c.3915_3916delinsCT, p.Met1305_Arg1306delinsIleTer (NM_000109.4); c.3939_3940delGCinsCT, p.Met1313_Arg1314delinsIleTer (NM_004006.2); c.3927_3928delinsCT, p.Met1309_Arg1310delinsIleTer (NM_004009.3); c.3570_3571delinsCT, p.Met1190_Arg1191delinsIleTer (NM_004010.3).
Identifiers: ClinVar variation 2501155 (VCV002501155.3), dbSNP rs2524074680, ClinGen allele CA2580616935.
Genomic context (GRCh38, chrX:32,438,372, plus strand): 5'-CGCCATCTGTTAGGGTCTGTGCCAATATGCGAATCTGATTTGGGTTATCCTCTGAATGTC[GC>AG]ATCAAATTTTCAAGTGACTGAAACACATTTGCAATAATTACTATTTCTCCTTTTTTTTCT-3'

ClinVar aggregate classification (germline): Pathogenic/Likely pathogenic. Review status: criteria provided, multiple submitters, no conflicts (2 of 4 stars). 2 submissions from 2 submitters: Pathogenic (1); Likely pathogenic (1). Last evaluated 2024-10-07.

Conditions:
Duchenne muscular dystrophy (DMD). Also called: Duchenne Muscular Dystrophy (DMD); MUSCULAR DYSTROPHY, PSEUDOHYPERTROPHIC PROGRESSIVE, DUCHENNE TYPE. Identifiers: Orphanet 98896, MedGen C0013264, MONDO:0010679, OMIM 310200.
Neuromuscular disease caused by qualitative or quantitative defects of dystrophin. Also called: Qualitative or quantitative defects of dystrophin. Identifiers: Orphanet 207085, MedGen C5679787, MONDO:0016147.

Submissions (2):

Labcorp Genetics (formerly Invitae), Labcorp
Classification: Pathogenic for Duchenne muscular dystrophy. Last evaluated: 2024-10-07. Review status: criteria provided, single submitter. Criteria: Invitae Variant Classification Sherloc (09022015). Collection method: clinical testing. Allele origin: germline.
Comment: This sequence change creates a premature translational stop signal (p.Met1313_Arg1314delinsIle*) in the DMD gene. It is expected to result in an absent or disrupted protein product. Loss-of-function variants in DMD are known to be pathogenic (PMID: 16770791, 25007885). Information on the frequency of this variant in the gnomAD database is not available, as this variant may be reported differently in the database. This variant has not been reported in the literature in individuals affected with DMD-related conditions. ClinVar contains an entry for this variant (Variation ID: 2501155). For these reasons, this variant has been classified as Pathogenic.

Women's Health and Genetics/Laboratory Corporation of America, LabCorp
Classification: Likely pathogenic for Neuromuscular disease caused by qualitative or quantitative defects of dystrophin. Last evaluated: 2023-03-02. Review status: criteria provided, single submitter. Criteria: LabCorp Variant Classification Summary - May 2015. Collection method: clinical testing. Allele origin: germline.
Comment: Variant summary: DMD c.3939_3940delinsCT (p.Met1313IlefsX2) results in a premature termination codon, predicted to cause a truncation of the encoded protein or absence of the protein due to nonsense mediated decay, which are commonly known mechanisms for disease. Truncations downstream of this position have been classified as pathogenic by our laboratory. The variant was absent in 204800 control chromosomes. To our knowledge, no occurrence of c.3939_3940delinsCT in individuals affected with Dystrophinopathies and no experimental evidence demonstrating its impact on protein function have been reported. No clinical diagnostic laboratories have submitted clinical-significance assessments for this variant to ClinVar after 2014. Based on the evidence outlined above, the variant was classified as likely pathogenic.

Literature cited by the submitters: PubMed 16770791 (cited by Labcorp Genetics (formerly Invitae), Labcorp); PubMed 25007885 (cited by Labcorp Genetics (formerly Invitae), Labcorp).